The following is an entry in ClinVar:

NM_032756.4(HPDL):c.769_771delinsTC (p.Gln257fs)

Gene: HPDL (4-hydroxyphenylpyruvate dioxygenase like; plus strand). Cytogenetic location: 1p34.1.
Variant type: Indel.
Coding change: c.769_771delinsTC on transcript NM_032756.4 (MANE Select); coding-DNA positions 769 to 771, CAG replaced by TC.
Protein change: p.Gln257fs; shifts the reading frame from glutamine 257.
Molecular consequence: frameshift variant.
Genome position (GRCh38, 1-based): chr1:45,327,917-45,327,919, CAG replaced by TC. VCF-style: chr1-45327917-CAG-TC. GRCh37 (hg19) VCF-style: chr1-45793589-CAG-TC.
Other names: short protein forms Q257fs.
Identifiers: ClinVar variation 1344852 (VCV001344852.2), dbSNP rs2149082096, ClinGen allele CA2573131935.

ClinVar aggregate classification (germline): Likely pathogenic. Review status: criteria provided, single submitter (1 of 4 stars). 2 submissions from 2 submitters: Likely pathogenic (1). 1 of the submissions does not count toward it. Last evaluated 2022-08-31.

Conditions:
Neurodevelopmental disorder with progressive spasticity and brain white matter abnormalities. Also called: CEREBRAL PALSY, SPASTIC QUADRIPLEGIC, 1. Identifiers: Orphanet 210141, Orphanet 641353, MedGen C5436628, MONDO:0033613, OMIM 619026.
Spastic paraplegia. Identifiers: MedGen C0037772, HP:0001258.

Submissions (2):

Pittsburgh Clinical Genomics Laboratory, University of Pittsburgh Medical Center
Classification: Likely pathogenic for Neurodevelopmental disorder with progressive spasticity and brain white matter abnormalities. Last evaluated: 2022-08-31. Review status: criteria provided, single submitter. Criteria: ACMG Guidelines, 2015. Collection method: clinical testing. Allele origin: germline. Inheritance: Autosomal recessive inheritance. Affected: yes.
Comment: This sequence variant is a 3-nucleotide deletion and 2-nucleotide insertion at coding position 769 of the HPDL gene that results in an early termition codon 58 amino acids downstream of the frameshift at residue 257. This variant is predicted to generate a non-functiol allele through either the expression of a truncated protein or a loss of HPDL expression due to nonsense mediated decay. This is a previously reported variant (ClinVar) that has not been reported in the medical literature in individuals with HPDL-related disease, to our knowledge. This variant is absent from the gnomAD healthy control population database (0 of ~250,000 alleles). Because early termition alleles in HPDL are a known mechanism of disease for HPDL, we consider this variant to be likely pathogenic. ACMG Criteria: BS4, PM2, PVS1

Yale Center for Mendelian Genomics, Yale University
Classification: Likely pathogenic for Spastic paraplegia. Last evaluated: 2021-05-10. Review status: no assertion criteria provided. Collection method: literature only. Allele origin: germline. Affected: yes. Observed: 1 compound heterozygote. Study: Yale Center for Mendelian Genomics. Not counted in ClinVar's aggregate classification.

Literature cited by the submitters: PubMed 33970200 (cited by Yale Center for Mendelian Genomics, Yale University).